The following is an entry in ClinVar:

NM_000435.3(NOTCH3):c.727C>T (p.His243Tyr)

Gene: NOTCH3 (notch receptor 3; minus strand). Cytogenetic location: 19p13.12.
Variant type: single nucleotide variant.
Coding change: c.727C>T on transcript NM_000435.3 (MANE Select); coding-DNA position 727, C replaced by T.
Protein change: p.His243Tyr; replaces histidine 243 with tyrosine.
Molecular consequence: missense variant.
Genome position (GRCh38, 1-based): chr19:15,191,820, G>A on the plus strand (C>T on the coding strand, the complement: NOTCH3 is on the minus strand). VCF-style: chr19-15191820-G-A. GRCh37 (hg19) VCF-style: chr19-15302631-G-A.
Other names: short protein forms H243Y.
Identifiers: ClinVar variation 3571943 (VCV003571943.1).

ClinVar aggregate classification (germline): Uncertain significance (1 of 4 stars; one submission).

Submission:

Athena Diagnostics
Classification: Uncertain significance. Last evaluated: 2024-03-15. Review status: criteria provided, single submitter. Criteria: Athena Diagnostics Criteria. Collection method: clinical testing. Allele origin: unknown.
Comment: Available data are insufficient to determine the clinical significance of the variant at this time. The frequency of this variant in the general population is uninformative in assessment of its pathogenicity. Computational tools disagree on the variant's effect on normal protein function. Greater than 90% of NOTCH3 pathogenic variants associated with CADASIL involve the gain or loss of a cysteine residue within the epidermal growth factor (EGF)-like repeat domain (PMID: 32457593, 20301673).